The following is an entry in ClinVar:

ClinVar aggregate classification (germline): Likely pathogenic (1 of 4 stars; one submission).

Conditions:
Ellis-van Creveld syndrome (EVC). Also called: EVC-Related Ellis-van Creveld Syndrome; EVC2-Related Ellis-van Creveld Syndrome; MESOECTODERMAL DYSPLASIA; Chondroectodermal dysplasia. Identifiers: Orphanet 289, MedGen C0013903, MONDO:0009162, OMIM 225500.

Submission:

Myriad Genetics, Inc.
Classification: Likely pathogenic for Ellis-van Creveld syndrome. Last evaluated: 2022-05-11. Review status: criteria provided, single submitter. Criteria: Myriad Women's Health Autosomal Recessive and X-Linked Classification Criteria (2021). Collection method: clinical testing. Allele origin: unknown.
Comment: NM_147127.4(EVC2):c.1896C>G(Y632*) is expected to be pathogenic in the context of EVC2-related Ellis-van Creveld syndrome. This variant is predicted to lead to an abnormal or absent protein product due to the creation of a premature termination codon in EVC2, a gene where loss-of-function variants are known to be pathogenic. Please note: this variant was assessed in the context of healthy population screening.

NM_147127.5(EVC2):c.1896C>G (p.Tyr632Ter)

Gene: EVC2 (EvC ciliary complex subunit 2; minus strand). Cytogenetic location: 4p16.2.
Variant type: single nucleotide variant.
Coding change: c.1896C>G on transcript NM_147127.5 (MANE Select); coding-DNA position 1896, C replaced by G.
Protein change: p.Tyr632Ter; replaces tyrosine 632 with a stop codon.
Molecular consequence: nonsense.
Genome position (GRCh38, 1-based): chr4:5,625,899, G>C on the plus strand (C>G on the coding strand, the complement: EVC2 is on the minus strand). VCF-style: chr4-5625899-G-C. GRCh37 (hg19) VCF-style: chr4-5627626-G-C.
Other names: c.1656C>G, p.Tyr552Ter (NM_001166136.2); short protein forms Y552*, Y632*.
Identifiers: ClinVar variation 1726042 (VCV001726042.2), dbSNP rs779707723, ClinGen allele CA356146256.